The following is an entry in ClinVar:

ClinVar aggregate classification (germline): Uncertain significance (1 of 4 stars; one submission).

Conditions:
Gorlin syndrome. Also called: Basal cell nevus syndrome; Nevoid Basal Cell Carcinoma Syndrome. Identifiers: Orphanet 377, MedGen C0004779, MONDO:0007187.

Submission:

Labcorp Genetics (formerly Invitae), Labcorp
Classification: Uncertain significance for Gorlin syndrome. Last evaluated: 2021-02-27. Review status: criteria provided, single submitter. Criteria: Invitae Variant Classification Sherloc (09022015). Collection method: clinical testing. Allele origin: germline.
Comment: This sequence change falls in intron 16 of the PTCH1 gene. It does not directly change the encoded amino acid sequence of the PTCH1 protein. It affects a nucleotide within the consensus splice site of the intron. This variant is not present in population databases (ExAC no frequency). This variant has not been reported in the literature in individuals with PTCH1-related conditions. Nucleotide substitutions within the consensus splice site are a relatively common cause of aberrant splicing (PMID: 17576681, 9536098). Algorithms developed to predict the effect of sequence changes on RNA splicing suggest that this variant is not likely to affect RNA splicing, but this prediction has not been confirmed by published transcriptional studies. In summary, the available evidence is currently insufficient to determine the role of this variant in disease. Therefore, it has been classified as a Variant of Uncertain Significance.

Literature cited by the submitters: PubMed 17576681; PubMed 9536098.

NM_000264.5(PTCH1):c.2703+6C>T

Gene: PTCH1 (patched 1; minus strand). Cytogenetic location: 9q22.32.
Variant type: single nucleotide variant.
Coding change: c.2703+6C>T on transcript NM_000264.5 (MANE Select); 6 bases into the intron after coding-DNA position 2703, C replaced by T.
Molecular consequence: intron variant.
Genome position (GRCh38, 1-based): chr9:95,461,850, G>A on the plus strand (C>T on the coding strand, the complement: PTCH1 is on the minus strand). VCF-style: chr9-95461850-G-A. GRCh37 (hg19) VCF-style: chr9-98224132-G-A.
Other names: c.2700+6C>T (NM_001083603.3); c.2505+6C>T (NM_001083602.3); c.2547+6C>T (NM_001354918.2); c.2250+6C>T (NM_001083605.3, NM_001083604.3, NM_001083606.3 and 1 more transcripts).
Identifiers: ClinVar variation 1443576 (VCV001443576.6), dbSNP rs956716678, ClinGen allele CA2573144839.